The following is an entry in ClinVar:

ClinVar aggregate classification (germline): Likely pathogenic (1 of 4 stars; one submission).

Conditions:
Diamond-Blackfan anemia 5 (DBA5). Also called: RPL35A-Related Diamond-Blackfan Anemia. Identifiers: Orphanet 124, MedGen C2675859, MONDO:0012925, OMIM 612528.

Submission:

Labcorp Genetics (formerly Invitae), Labcorp
Classification: Likely pathogenic for Diamond-Blackfan anemia 5. Last evaluated: 2020-11-19. Review status: criteria provided, single submitter. Criteria: Invitae Variant Classification Sherloc (09022015). Collection method: clinical testing. Allele origin: germline.
Comment: In summary, the currently available evidence indicates that the variant is pathogenic, but additional data are needed to prove that conclusively. Therefore, this variant has been classified as Likely Pathogenic. Algorithms developed to predict the effect of missense changes on protein structure and function are either unavailable or do not agree on the potential impact of this missense change (SIFT: "Deleterious"; PolyPhen-2: "Benign"; Align-GVGD: "Class C25"). This variant has been observed in individual(s) with clinical features of Diamond-Blackfan anemia (Invitae). In at least one individual the variant was observed to be de novo. This variant is not present in population databases (ExAC no frequency). This sequence change replaces isoleucine with threonine at codon 30 of the RPL35A protein (p.Ile30Thr). The isoleucine residue is moderately conserved and there is a moderate physicochemical difference between isoleucine and threonine.

NM_000996.4(RPL35A):c.89T>C (p.Ile30Thr)

Genes: DRC9 (dynein regulatory complex subunit 9; minus strand), RPL35A (ribosomal protein L35a; plus strand). Cytogenetic location: 3q29.
Variant type: single nucleotide variant.
Coding change: c.89T>C on transcript NM_000996.4 (MANE Select); coding-DNA position 89, T replaced by C.
Protein change: p.Ile30Thr; replaces isoleucine 30 with threonine.
Molecular consequence: missense variant. On other transcripts: intron variant (3).
Genome position (GRCh38, 1-based): chr3:197,951,236, T>C. VCF-style: chr3-197951236-T-C. GRCh37 (hg19) VCF-style: chr3-197678107-T-C.
Other names: c.89T>C, p.Ile30Thr (NM_001316311.2); c.-49-7185A>G (NM_001323028.2); c.-59-5550A>G (NM_032263.5); c.-374-5550A>G (NM_001323029.2); short protein forms I30T.
Identifiers: ClinVar variation 1008059 (VCV001008059.5), dbSNP rs1720051488, ClinGen allele CA355902674.